The following is an entry in ClinVar:

ClinVar aggregate classification (germline): Likely benign (1 of 4 stars; one submission).

Submission:

CeGaT Center for Human Genetics Tuebingen
Classification: Likely benign. Last evaluated: 2025-06-01. Review status: criteria provided, single submitter. Criteria: CeGaT Center For Human Genetics Tuebingen Variant Classification Criteria Version 2. Collection method: clinical testing. Allele origin: germline. Affected: yes. Observed: 1 variant allele.
Comment: SLC35E2A: BP4, BP7

NR_173244.1(SLC35E2A):n.734G>C

Gene: SLC35E2A (solute carrier family 35 member E2A; minus strand). Cytogenetic location: 1p36.33.
Variant type: single nucleotide variant.
Molecular consequence: non-coding transcript variant (on NR_173244.1).
Genome position: GRCh38 VCF-style: chr1-1739318-C-G. GRCh37 (hg19) VCF-style: chr1-1670757-C-G.
Identifiers: ClinVar variation 3905332 (VCV003905332.10).